The following is an entry in ClinVar:

NM_001018005.2(TPM1):c.842T>C (p.Met281Thr)

Gene: TPM1 (tropomyosin 1; plus strand). Cytogenetic location: 15q22.2.
Variant type: single nucleotide variant.
Coding change: c.842T>C on transcript NM_001018005.2 (MANE Select); coding-DNA position 842, T replaced by C.
Protein change: p.Met281Thr; replaces methionine 281 with threonine.
Molecular consequence: missense variant. On other transcripts: intron variant (12).
Genome position (GRCh38, 1-based): chr15:63,064,133, T>C. VCF-style: chr15-63064133-T-C. GRCh37 (hg19) VCF-style: chr15-63356332-T-C.
Other names: p.M281T:ATG>ACG; c.842T>C, p.Met281Thr (NM_000366.6, NM_001301244.2, NM_001365779.1); c.734T>C, p.Met245Thr (NM_001330346.2, NM_001365781.2, NM_001365782.1); c.898+1488T>C (NM_001365778.1); c.772+1488T>C (NM_001018020.2, NM_001018007.2, NM_001018006.2 and 3 more transcripts); c.664+1488T>C (NM_001330351.2, NM_001330344.2, NM_001018008.2 and 2 more transcripts); short protein forms M281T, M245T.
Identifiers: ClinVar variation 31885 (VCV000031885.86), dbSNP rs199476321, ClinGen allele CA018416.

ClinVar aggregate classification (germline): Uncertain significance. Review status: reviewed by expert panel (3 of 4 stars). 20 submissions from 20 submitters: Uncertain significance (1). 19 of the submissions do not count toward it. Last evaluated 2025-11-13.

Conditions:
TPM1-related disorder. Also called: TPM1-related condition.
Cardiovascular phenotype. Identifiers: MedGen CN230736.
Cardiomyopathy (CMYO). Also called: Cardiomyopathies. Identifiers: Orphanet 167848, MedGen C0878544, MONDO:0004994, HP:0001638. Inheritance: Various modes of inheritance.
Dilated cardiomyopathy 1Y (CMD1Y). Identifiers: Orphanet 154, Orphanet 54260, MedGen C2678476, MONDO:0012744, OMIM 611878.
Hypertrophic cardiomyopathy 3. Also called: TPM1-Related Familial Hypertrophic Cardiomyopathy. Identifiers: MedGen C1861863, MONDO:0007267, OMIM 115196.
Hypertrophic cardiomyopathy. Also called: HYPERTROPHIC MYOCARDIOPATHY. Identifiers: Orphanet 217569, MedGen C0007194, MeSH D002312, MONDO:0005045, HP:0001639.

Allele frequency attached by ClinVar (database versions not stated): gnomAD exomes below 0.00001; TOPMed 0.00002; gnomAD 0.00001.
gnomAD v4.1: 3 of 1,613,870 alleles (0.00019%); highest among the groups gnomAD compares: African/African-American, 0.0027%; no homozygotes.

Submissions 1 to 8 of 20:

ClinGen Cardiomyopathy Variant Curation Expert Panel
Classification: Uncertain significance for Hypertrophic cardiomyopathy. Last evaluated: 2025-11-13. Review status: reviewed by expert panel. Criteria: ClinGen CMP ACMG Specifications TPM1 V1.0.0. Collection method: curation. Allele origin: germline. Inheritance: Autosomal dominant inheritance.
Comment: NM_001018005.2(TPM1):c.842T>C (p.Met281Thr) - This variant has been reported in individuals with HCM (PMIDs: 12860912, 18533079, 21835320, 25524337, 27532257) and is statistically increased in individuals with cardiomyopathy compared to controls [OR lower 95% CI >5]. Therefore, the PS4_Supporting criterion has been applied. This variant is present in gnomAD (v2.1.1), but did meet the threshold for PM2_Supporting. This variant lies in a gene where variants are statistically more likely to be disease-associated (PP2; PMID: 30696458). Computational prediction tools suggest that this variant may impact the protein (REVEL score >0.7; PP3). In summary, this variant is classified as Uncertain Significance for HCM in an autosomal dominant manner based on PS4_Supporting, PM2_Supporting, PP2, and PP3.

CeGaT Center for Human Genetics Tuebingen
Classification: Likely pathogenic. Last evaluated: 2026-08-01. Review status: criteria provided, single submitter. Criteria: CeGaT Center For Human Genetics Tuebingen Variant Classification Criteria Version 2. Collection method: clinical testing. Allele origin: germline. Affected: yes. Observed: 4 variant alleles. Not counted in ClinVar's aggregate classification.
Comment: TPM1: PM2, PS4:Moderate, PP2, PP3, PS3:Supporting

Labcorp Genetics (formerly Invitae), Labcorp
Classification: Pathogenic for Hypertrophic cardiomyopathy. Last evaluated: 2026-01-21. Review status: criteria provided, single submitter. Criteria: Invitae Variant Classification Sherloc (09022015). Collection method: clinical testing. Allele origin: germline. Not counted in ClinVar's aggregate classification.
Comment: This sequence change replaces methionine, which is neutral and non-polar, with threonine, which is neutral and polar, at codon 281 of the TPM1 protein (p.Met281Thr). This variant is present in population databases (rs199476321, gnomAD 0.0009%). This missense change has been observed in individuals with hypertrophic cardiomyopathy (PMID: 12860912, 18533079, 20965760, 21835320, 22112859, 25524337, 27532257; internal data). ClinVar contains an entry for this variant (Variation ID: 31885). An algorithm developed to predict the effect of missense changes on protein structure and function (PolyPhen-2) suggests that this variant is likely to be tolerated. Experimental studies have shown that this missense change affects TPM1 function (PMID: 25548289). For these reasons, this variant has been classified as Pathogenic.

3billion
Classification: Likely pathogenic for Hypertrophic cardiomyopathy 3. Last evaluated: 2025-10-17. Review status: criteria provided, single submitter. Criteria: ACMG Guidelines, 2015. Collection method: clinical testing. Allele origin: germline. Affected: yes. Not counted in ClinVar's aggregate classification.
Comment: The variant is observed at an extremely low frequency in the gnomAD v4.1.0 dataset (total allele frequency: <0.001%). Predicted Consequence/Location: Missense variant In silico tool predictions suggest damaging effect of the variant on gene or gene product [REVEL: 0.85 (>=0.6, sensitivity 0.68 and specificity 0.92)]. The same nucleotide change resulting in the same amino acid change has been previously reported as pathogenic/likely pathogenic with strong evidence (ClinVar ID: VCV000031885 /PMID: 12860912 /3billion dataset). Therefore, this variant is classified as Likely pathogenic according to the recommendation of ACMG/AMP guideline.

Victorian Clinical Genetics Services, Murdoch Childrens Research Institute
Classification: Pathogenic for Hypertrophic cardiomyopathy 3. Last evaluated: 2025-09-08. Review status: criteria provided, single submitter. Criteria: ACMG Guidelines, 2015. Collection method: clinical testing. Allele origin: germline. Affected: yes. Not counted in ClinVar's aggregate classification.
Comment: This variant is classified as Pathogenic. Evidence in support of pathogenic classification: Variant is present in gnomAD <0.001 for a dominant condition (v4: 3 heterozygote(s), 0 homozygote(s)); This variant has strong previous evidence of pathogenicity in unrelated individuals. This variant has been classified as likely pathogenic/pathogenic in individuals with a cardiovascular phenotype by multiple clinical laboratories in ClinVar. Additionally, it has been reported in multiple individuals with HCM in the literature (PMID: 22112859, 31308319); This variant has strong functional evidence supporting abnormal protein function. In functional studies performed on heart tissue of an affected proband with the p.(Met281Thr), cardiomyocytes showed increased calcium sensitivity, and reduced length-dependent activation compared to controls (PMID: 23508784); Missense variant predicted to be damaging by in silico tool(s) or highly conserved with a major amino acid change. Additional information: Variant is predicted to result in a missense amino acid change from Met to Thr; This variant is heterozygous; This gene is associated with autosomal dominant disease; Alternative amino acid change(s) at the same position are present in gnomAD (Highest allele count: v4: 13 heterozygote(s), 0 homozygote(s)); Other missense variant(s) comparable to the one identified in this case have inconclusive previous evidence for pathogenicity. p.(Met281Val) and p.(Met281Arg) have both been classified as a VUS by multiple clinical laboratories in ClinVar; Variant is located in the annotated Tropomyosin domain (DECIPHER) - The mechanism of disease for this gene is not clearly established, although it has been suggested that that HCM is caused by gain of function missense variants while DCM is caused by loss of function missense variants (PMID: 31270709); The condition associated with this gene has incomplete penetrance (PMIDs: 33642254, 32882290, 32731933); Inheritance information for this variant is not currently available in this individual.

Institute of Human Genetics, Heidelberg University
Classification: Likely pathogenic for Hypertrophic cardiomyopathy 3. Last evaluated: 2025-04-15. Review status: criteria provided, single submitter. Criteria: ACMG Guidelines, 2015. Collection method: clinical testing. Allele origin: maternal. Affected: yes. Observed: 2 variant alleles. Not counted in ClinVar's aggregate classification.
Comment: PM2_supp, PP3, PS3_supp, PS4_mod, PP2

Ambry Genetics
Classification: Pathogenic for Cardiovascular phenotype. Last evaluated: 2025-03-19. Review status: criteria provided, single submitter. Criteria: Ambry Variant Classification Scheme 2023. Collection method: clinical testing. Allele origin: germline. Not counted in ClinVar's aggregate classification.
Comment: The c.842T>C (p.M281T) alteration is located in exon 9 (coding exon 9) of the TPM1 gene. This alteration results from a T to C substitution at nucleotide position 842, causing the methionine (M) at amino acid position 281 to be replaced by a threonine (T). Based on data from gnomAD, the C allele has an overall frequency of <0.001% (1/250772) total alleles studied. The highest observed frequency was 0.001% (1/113468) of European (non-Finnish) alleles. This alteration has been reported in individuals with hypertrophic cardiomyopathy (HCM), and co-segregation was reported in affected family members in some cases (Van Driest, 2003; Olivotto, 2008; Coppini, 2014; Otsuka, 2012; Walsh, 2017; Tran Vu, 2019). This variant was also reported in a child with restrictive cardiomyopathy, who had an additional TPM1 variant detected in trans; This amino acid position is highly conserved in available vertebrate species. Studies suggest this alteration has an impact on protein function, but the clinical relevance of these findings is uncertain (Gupte, 2015; Dorsch, 2021). This alteration is predicted to be deleterious by in silico analysis. Based on the available evidence, this alteration is classified as pathogenic.

GeneDx
Classification: Pathogenic. Last evaluated: 2024-08-12. Review status: criteria provided, single submitter. Criteria: GeneDx Variant Classification Process June 2021. Collection method: clinical testing. Allele origin: germline. Affected: yes. Not counted in ClinVar's aggregate classification.
Comment: Not observed at significant frequency in large population cohorts (gnomAD); In silico analysis supports that this missense variant has a deleterious effect on protein structure/function; Published functional studies suggest a damaging effect as this variant alters the binding affinity of tropomyosin for actin (PMID: 23700264, 23508784, 25548289); This variant is associated with the following publications: (PMID: 12860912, 20965760, 23508784, 23071391, 18533079, 27532257, 25524337, 21823217, 23700264, 22112859, 21835320, 30297972, 31308319, 32882290, 30240712, 34011823, 30847666, 35626289, 36964972, 37652022, 37466024, 33495597, 37946154, 33495596, 24793961, 36555368, 25548289)